The following is an entry in ClinVar:

NM_004168.4(SDHA):c.148T>G (p.Ser50Ala)

Gene: SDHA (succinate dehydrogenase complex flavoprotein subunit A; plus strand). Cytogenetic location: 5p15.33.
Variant type: single nucleotide variant.
Coding change: c.148T>G on transcript NM_004168.4 (MANE Select); coding-DNA position 148, T replaced by G.
Protein change: p.Ser50Ala; replaces serine 50 with alanine.
Molecular consequence: missense variant.
Genome position (GRCh38, 1-based): chr5:223,566, T>G. VCF-style: chr5-223566-T-G. GRCh37 (hg19) VCF-style: chr5-223681-T-G.
Other names: c.148T>G (NM_004168.2); c.148T>G, p.Ser50Ala (NM_001294332.2, NM_001330758.2); short protein forms S50A.
Identifiers: ClinVar variation 568506 (VCV000568506.13), dbSNP rs1560985310, ClinGen allele CA359008329.

ClinVar aggregate classification (germline): Conflicting classifications of pathogenicity. Review status: criteria provided, conflicting classifications (1 of 4 stars). 3 submissions from 3 submitters: Uncertain significance (2); Likely benign (1). Last evaluated 2026-01-19.

Conditions:
Dilated cardiomyopathy 1GG (CMD1GG). Identifiers: Orphanet 154, MedGen C3150898, MONDO:0013339, OMIM 613642.
Neurodegeneration with ataxia and late-onset optic atrophy. Identifiers: MedGen C5543254, MONDO:0031006, OMIM 619259.
Mitochondrial complex II deficiency, nuclear type 1. Also called: SUCCINATE CoQ REDUCTASE DEFICIENCY. Identifiers: Orphanet 3208, MedGen C5700310, MONDO:0100294, OMIM 252011.
Pheochromocytoma/paraganglioma syndrome 5. Also called: Paragangliomas 5; SDHA-Related Hereditary Paraganglioma-Pheochromocytoma Syndrome. Identifiers: Orphanet 29072, MedGen C3279992, MONDO:0013602, OMIM 614165.
Hereditary cancer-predisposing syndrome. Also called: Neoplastic Syndromes, Hereditary; Tumor predisposition; Hereditary neoplastic syndrome; Hereditary Cancer Syndrome. Identifiers: Orphanet 140162, MedGen C0027672, MeSH D009386, MONDO:0015356.

Submissions (3):

Labcorp Genetics (formerly Invitae), Labcorp
Classification: Uncertain significance for Pheochromocytoma/paraganglioma syndrome 5; Mitochondrial complex II deficiency, nuclear type 1. Last evaluated: 2026-01-19. Review status: criteria provided, single submitter. Criteria: Invitae Variant Classification Sherloc (09022015). Collection method: clinical testing. Allele origin: germline.
Comment: This sequence change replaces serine, which is neutral and polar, with alanine, which is neutral and non-polar, at codon 50 of the SDHA protein (p.Ser50Ala). This variant is not present in population databases (gnomAD no frequency). This variant has not been reported in the literature in individuals affected with SDHA-related conditions. ClinVar contains an entry for this variant (Variation ID: 568506). An algorithm developed to predict the effect of missense changes on protein structure and function outputs the following: PolyPhen-2: "Benign". The alanine amino acid residue is found in multiple mammalian species, which suggests that this missense change does not adversely affect protein function. In summary, the available evidence is currently insufficient to determine the role of this variant in disease. Therefore, it has been classified as a Variant of Uncertain Significance.

Ambry Genetics
Classification: Likely benign for Hereditary cancer-predisposing syndrome. Last evaluated: 2024-05-01. Review status: criteria provided, single submitter. Criteria: Ambry Variant Classification Scheme 2023. Collection method: clinical testing. Allele origin: germline.

Fulgent Genetics
Classification: Uncertain significance for Mitochondrial complex II deficiency, nuclear type 1; Dilated cardiomyopathy 1GG; Pheochromocytoma/paraganglioma syndrome 5; Neurodegeneration with ataxia and late-onset optic atrophy. Last evaluated: 2024-04-10. Review status: criteria provided, single submitter. Criteria: ACMG Guidelines, 2015. Collection method: clinical testing. Allele origin: germline.